The following is an entry in ClinVar:

NM_170606.3(KMT2C):c.3870_3871delinsTC (p.Arg1290_Ser1291delinsSerArg)

Gene: KMT2C (lysine methyltransferase 2C; minus strand). Cytogenetic location: 7q36.1.
Variant type: Indel.
Coding change: c.3870_3871delinsTC on transcript NM_170606.3 (MANE Select); coding-DNA positions 3870 to 3871, AA replaced by TC.
Protein change: p.Arg1290_Ser1291delinsSerArg.
Molecular consequence: missense variant.
Genome position (GRCh38, 1-based): chr7:152,205,196-152,205,197, TT replaced by GA on the plus strand (AA replaced by TC on the coding strand, the reverse complement: KMT2C is on the minus strand). VCF-style: chr7-152205196-TT-GA. GRCh37 (hg19) VCF-style: chr7-151902281-TT-GA.
Identifiers: ClinVar variation 2049300 (VCV002049300.4), dbSNP rs2487940842, ClinGen allele CA2580077716.
Genomic context (GRCh38, chr7:152,205,196, plus strand): 5'-TAGAGCCTGAGGAATCTTTTCTGATCACAGATCTTTTGGTTTTCCCTTGCCCAGTTCGAC[TT>GA]CTTTGCCGCACCATAAATCCACCAATACCTATCCAAAAAAGAAATTAGGTAAACTGATAA-3'

ClinVar aggregate classification (germline): Uncertain significance (1 of 4 stars; one submission).

Submission:

Labcorp Genetics (formerly Invitae), Labcorp
Classification: Uncertain significance. Last evaluated: 2022-07-12. Review status: criteria provided, single submitter. Criteria: Invitae Variant Classification Sherloc (09022015). Collection method: clinical testing. Allele origin: germline.
Comment: In summary, the available evidence is currently insufficient to determine the role of this variant in disease. Therefore, it has been classified as a Variant of Uncertain Significance. Experimental studies and prediction algorithms are not available or were not evaluated, and the functional significance of this variant is currently unknown. This variant has not been reported in the literature in individuals affected with KMT2C-related conditions. Information on the frequency of this variant in the gnomAD database is not available, as this variant may be reported differently in the database. This variant, c.3870_3871delinsTC, is a complex sequence change that results in the deletion of 2 and insertion of 2 amino acid(s) in the KMT2C protein (p.Arg1290_Ser1291delinsSerArg).